The following is an entry in ClinVar:

ClinVar aggregate classification (germline): Likely benign. Review status: criteria provided, single submitter (1 of 4 stars). 2 submissions from 2 submitters: Likely benign (1). 1 of the submissions does not count toward it. Last evaluated 2023-01-01.

Conditions:
PKD1L1-related disorder. Also called: PKD1L1-related condition.

Allele frequency attached by ClinVar (database versions not stated): TOPMed below 0.00001; gnomAD exomes 0.00001; ExAC 0.00003; ESP Exome Variant Server 0.00008.
gnomAD v4.1: 15 of 1,614,028 alleles (0.00093%); highest among the groups gnomAD compares: Middle Eastern, 0.066%; no homozygotes.

Submissions (2):

CeGaT Center for Human Genetics Tuebingen
Classification: Likely benign. Last evaluated: 2023-01-01. Review status: criteria provided, single submitter. Criteria: CeGaT Center For Human Genetics Tuebingen Variant Classification Criteria Version 2. Collection method: clinical testing. Allele origin: germline. Affected: yes. Observed: 1 variant allele.
Comment: PKD1L1: BP4, BP7

PreventionGenetics, part of Exact Sciences
Classification: Likely benign for PKD1L1-related condition. Last evaluated: 2024-01-31. Review status: no assertion criteria provided. Collection method: clinical testing. Allele origin: germline. Not counted in ClinVar's aggregate classification.
Comment: This variant is classified as likely benign based on ACMG/AMP sequence variant interpretation guidelines (Richards et al. 2015 PMID: 25741868, with internal and published modifications).

NM_138295.5(PKD1L1):c.5523A>G (p.Glu1841=)

Gene: PKD1L1 (polycystin 1 like 1, transient receptor potential channel interacting; minus strand). Cytogenetic location: 7p12.3.
Variant type: single nucleotide variant.
Coding change: c.5523A>G on transcript NM_138295.5 (MANE Select); coding-DNA position 5523, A replaced by G.
Protein change: p.Glu1841=; no amino-acid change (glutamic acid 1841 retained).
Molecular consequence: synonymous variant.
Genome position (GRCh38, 1-based): chr7:47,840,490, T>C on the plus strand (A>G on the coding strand, the complement: PKD1L1 is on the minus strand). VCF-style: chr7-47840490-T-C. GRCh37 (hg19) VCF-style: chr7-47880088-T-C.
Other names: c.5523A>G (NM_138295.3).
Identifiers: ClinVar variation 2657458 (VCV002657458.25), dbSNP rs375115636, ClinGen allele CA4252816.